The following is an entry in ClinVar:

NM_022124.6(CDH23):c.4126C>G (p.Leu1376Val)

Genes: C10orf105 (chromosome 10 open reading frame 105; minus strand), CDH23 (cadherin related 23; plus strand). Cytogenetic location: 10q22.1.
Variant type: single nucleotide variant.
Coding change: c.4126C>G on transcript NM_022124.6 (MANE Select); coding-DNA position 4126, C replaced by G.
Protein change: p.Leu1376Val; replaces leucine 1376 with valine.
Molecular consequence: missense variant. On other transcripts: intron variant (1).
Genome position (GRCh38, 1-based): chr10:71,734,261, C>G. VCF-style: chr10-71734261-C-G. GRCh37 (hg19) VCF-style: chr10-73494018-C-G.
Other names: c.-6+3467G>C (NM_001168390.2); short protein forms L1376V.
Identifiers: ClinVar variation 3898801 (VCV003898801.1).

ClinVar aggregate classification (germline): Uncertain significance (1 of 4 stars; one submission).

gnomAD v4.1: 1 of 1,611,736 alleles (0.000062%); no homozygotes.

Submission:

GeneDx
Classification: Uncertain significance. Last evaluated: 2024-11-12. Review status: criteria provided, single submitter. Criteria: GeneDx Variant Classification Process June 2021. Collection method: clinical testing. Allele origin: germline. Affected: yes.
Comment: Not observed at significant frequency in large population cohorts (gnomAD); In silico analysis supports that this missense variant has a deleterious effect on protein structure/function; Has not been previously published as pathogenic or benign to our knowledge